The following is an entry in ClinVar:

NM_019032.6(ADAMTSL4):c.2795G>A (p.Arg932His)

Gene: ADAMTSL4 (ADAMTS like 4; plus strand). Cytogenetic location: 1q21.2.
Variant type: single nucleotide variant.
Coding change: c.2795G>A on transcript NM_019032.6 (MANE Select); coding-DNA position 2795, G replaced by A.
Protein change: p.Arg932His; replaces arginine 932 with histidine.
Molecular consequence: missense variant.
Genome position (GRCh38, 1-based): chr1:150,559,318, G>A. VCF-style: chr1-150559318-G-A. GRCh37 (hg19) VCF-style: chr1-150531794-G-A.
Other names: c.2678G>A, p.Arg893His (NM_001288607.2); c.2864G>A, p.Arg955His (NM_001288608.2); c.2795G>A, p.Arg932His (NM_001378596.1); short protein forms R932H, R893H, R955H.
Identifiers: ClinVar variation 292559 (VCV000292559.9), dbSNP rs202037366, ClinGen allele CA1078849.
Genomic context (GRCh38, chr1:150,559,318, plus strand): 5'-CTCATCACCCTGCCCTCCCCCTACACTAGTGCTCCTCCGAATGTGGCTCTGGCACACAGC[G>A]TAGAGACATCATCTGTGTATCCAAACTGGGGACGGAGTTCAACGTGACTTCTCCGAGCAA-3'
Protein context (NP_061905.2, residues 922-942): CSSECGSGTQ[Arg932His]RDIICVSKLG

ClinVar aggregate classification (germline): Conflicting classifications of pathogenicity. Review status: criteria provided, conflicting classifications (1 of 4 stars). 5 submissions from 4 submitters: Uncertain significance (4); Likely benign (1). Last evaluated 2024-05-06.

Conditions:
Ectopia lentis et pupillae. Also called: ECTOPIA LENTIS WITH ECTOPIA OF PUPIL. Identifiers: Orphanet 1885, MedGen C1644196, MONDO:0009153, OMIM 225200.
Ectopia lentis 2, isolated, autosomal recessive (ECTOL2). Identifiers: Orphanet 1885, MedGen C3541474, MONDO:0009152, OMIM 225100.

Allele frequency attached by ClinVar (database versions not stated): gnomAD 0.00007; TOPMed 0.00008; gnomAD exomes 0.00012; ExAC 0.00013; ESP Exome Variant Server 0.00015; 1000 Genomes Project 30x 0.00016; 1000 Genomes Project 0.00020.
gnomAD v4.1: 187 of 1,614,024 alleles (0.012%); highest among the groups gnomAD compares: Middle Eastern, 0.12%; no homozygotes.

Submissions (5):

Blueprint Genetics
Classification: Likely benign. Last evaluated: 2024-05-06. Review status: criteria provided, single submitter. Criteria: ACMG Guidelines, 2015. Collection method: clinical testing. Allele origin: germline.

Genome-Nilou Lab
Classification: Uncertain significance for Ectopia lentis et pupillae. Last evaluated: 2023-04-11. Review status: criteria provided, single submitter. Criteria: ACMG Guidelines, 2015. Collection method: clinical testing. Allele origin: germline. Affected: no.

Genome-Nilou Lab
Classification: Uncertain significance for Ectopia lentis 2, isolated, autosomal recessive. Last evaluated: 2023-04-11. Review status: criteria provided, single submitter. Criteria: ACMG Guidelines, 2015. Collection method: clinical testing. Allele origin: germline. Affected: no.

Labcorp Genetics (formerly Invitae), Labcorp
Classification: Uncertain significance. Last evaluated: 2022-05-05. Review status: criteria provided, single submitter. Criteria: Invitae Variant Classification Sherloc (09022015). Collection method: clinical testing. Allele origin: germline.
Comment: This sequence change replaces arginine, which is basic and polar, with histidine, which is basic and polar, at codon 932 of the ADAMTSL4 protein (p.Arg932His). This variant is present in population databases (rs202037366, gnomAD 0.03%). This variant has not been reported in the literature in individuals affected with ADAMTSL4-related conditions. ClinVar contains an entry for this variant (Variation ID: 292559). Algorithms developed to predict the effect of missense changes on protein structure and function output the following: SIFT: "Tolerated"; PolyPhen-2: "Benign"; Align-GVGD: "Class C0". The histidine amino acid residue is found in multiple mammalian species, which suggests that this missense change does not adversely affect protein function. In summary, the available evidence is currently insufficient to determine the role of this variant in disease. Therefore, it has been classified as a Variant of Uncertain Significance.

Illumina Laboratory Services, Illumina
Classification: Uncertain significance for Ectopia lentis 2, isolated, autosomal recessive. Last evaluated: 2018-01-12. Review status: criteria provided, single submitter. Criteria: ICSL Variant Classification Criteria 13 December 2019. Collection method: clinical testing. Allele origin: germline.